The following is an entry in ClinVar:

NM_003334.4(UBA1):c.8G>A (p.Ser3Asn)

Genes: UBA1 (ubiquitin like modifier activating enzyme 1; plus strand), LOC126863253 (CDK7 strongly-dependent group 2 enhancer GRCh37_chrX:47057593-47058792; plus strand). Cytogenetic location: Xp11.3.
Variant type: single nucleotide variant.
Coding change: c.8G>A on transcript NM_003334.4 (MANE Select); coding-DNA position 8, G replaced by A.
Protein change: p.Ser3Asn; replaces serine 3 with asparagine.
Molecular consequence: missense variant.
Genome position (GRCh38, 1-based): chrX:47,198,810, G>A. VCF-style: chrX-47198810-G-A. GRCh37 (hg19) VCF-style: chrX-47058209-G-A.
Other names: c.8G>A, p.Ser3Asn (NM_153280.3); short protein forms S3N.
Identifiers: ClinVar variation 3662541 (VCV003662541.2).

ClinVar aggregate classification (germline): Uncertain significance (1 of 4 stars; one submission).

Conditions:
Infantile-onset X-linked spinal muscular atrophy. Also called: Spinal Muscular Atrophy, X-Linked Infantile; AMC, DISTAL, X-LINKED; ARTHROGRYPOSIS, X-LINKED, TYPE I; SPINAL MUSCULAR ATROPHY, X-LINKED LETHAL INFANTILE; Spinal muscular atrophy, X-linked 2. Identifiers: Orphanet 1145, MedGen C1844934, MONDO:0010532, OMIM 301830.

gnomAD v4.1: 2 of 1,211,536 alleles (0.00017%); highest among the groups gnomAD compares: Non-Finnish European, 0.00022%; no homozygotes.

Submission:

Labcorp Genetics (formerly Invitae), Labcorp
Classification: Uncertain significance for Infantile-onset X-linked spinal muscular atrophy. Last evaluated: 2024-08-15. Review status: criteria provided, single submitter. Criteria: Invitae Variant Classification Sherloc (09022015). Collection method: clinical testing. Allele origin: germline.
Comment: This sequence change replaces serine, which is neutral and polar, with asparagine, which is neutral and polar, at codon 3 of the UBA1 protein (p.Ser3Asn). This variant is not present in population databases (gnomAD no frequency). This variant has not been reported in the literature in individuals affected with UBA1-related conditions. An algorithm developed to predict the effect of missense changes on protein structure and function (PolyPhen-2) suggests that this variant is likely to be tolerated. In summary, the available evidence is currently insufficient to determine the role of this variant in disease. Therefore, it has been classified as a Variant of Uncertain Significance.